The following is an entry in ClinVar:

NM_000552.5(VWF):c.8069_8070insA (p.Thr2691fs)

Gene: VWF (von Willebrand factor; minus strand). Cytogenetic location: 12p13.31.
Variant type: Insertion.
Coding change: c.8069_8070insA on transcript NM_000552.5 (MANE Select); coding-DNA positions 8069 to 8070, A inserted.
Protein change: p.Thr2691fs; shifts the reading frame from threonine 2691.
Molecular consequence: frameshift variant.
Genome position: GRCh38 VCF-style: chr12-5952436-G-GT. GRCh37 (hg19) VCF-style: chr12-6061602-G-GT.
Other names: short protein forms T2691fs.
Identifiers: ClinVar variation 1049712 (VCV001049712.1), dbSNP rs2136339259, ClinGen allele CA2499221790.

ClinVar aggregate classification (germline): Likely pathogenic (0 of 4 stars; one submission).

Submission:

Department of Pathology and Laboratory Medicine, Sinai Health System
Classification: Likely pathogenic. Review status: no assertion criteria provided. Collection method: clinical testing. Allele origin: unknown. Affected: yes. Study: The Canadian Open Genetics Repository (COGR).
Comment: The VWF p.Thr2691Hisfs*7 variant was not identified in the literature nor was it identified in dbSNP, ClinVar or in the following control databases: the 1000 Genomes Project, the NHLBI GO Exome Sequencing Project, the Exome Aggregation Consortium (August 8th 2016), or the Genome Aggregation Database (March 6, 2019, v2.1.1). The c.8069_8070insA variant is predicted to cause a frameshift, which alters the protein's amino acid sequence beginning at codon 2691 and leads to a premature stop codon 7 codons downstream. This alteration is then predicted to result in a truncated or absent protein and loss of function. Loss of function variants of the VWF gene are an established mechanism of disease in von Willebrand disease and is the type of variant expected to cause the disorder. In summary, based on the above information the clinical significance of this variant cannot be determined with certainty at this time although we would lean towards a more pathogenic role for this variant. This variant is classified as likely pathogenic.